The following is an entry in ClinVar:

NM_006393.3(NEBL):c.2176G>A (p.Ala726Thr)

Gene: NEBL (nebulette; minus strand). Cytogenetic location: 10p12.31.
Variant type: single nucleotide variant.
Coding change: c.2176G>A on transcript NM_006393.3 (MANE Select); coding-DNA position 2176, G replaced by A.
Protein change: p.Ala726Thr; replaces alanine 726 with threonine.
Molecular consequence: missense variant. On other transcripts: intron variant (9).
Genome position (GRCh38, 1-based): chr10:20,815,690, C>T on the plus strand (G>A on the coding strand, the complement: NEBL is on the minus strand). VCF-style: chr10-20815690-C-T. GRCh37 (hg19) VCF-style: chr10-21104619-C-T.
Other names: c.250-2750G>A (NM_001377326.1, NM_001377327.1, NM_001377328.1); c.358-2750G>A (NM_213569.2, NM_001173484.2, NM_001377322.1); c.301-2750G>A (NM_001377324.1); c.292-2750G>A (NM_001377325.1); c.310-2750G>A (NM_001377323.1); short protein forms A726T.
Identifiers: ClinVar variation 45492 (VCV000045492.5), dbSNP rs397517205, ClinGen allele CA136429.
Genomic context (GRCh38, chr10:20,815,690, plus strand): 5'-TAATATTTTCTTGATTCTTCTTCACTCTTTCCATTTCAGGAGTTACACTTAAAGTGGTAG[C>T]TCTTCCCAGCTGACCTCTGTAATAAACCTATCATTTCAGAGAACAAAAAATAGAATACTA-3'
Protein context (NP_006384.1, residues 716-736): NVYYRGQLGR[Ala726Thr]TTLSVTPEME

ClinVar aggregate classification (germline): Uncertain significance (1 of 4 stars; one submission).

Submission:

Laboratory for Molecular Medicine, Mass General Brigham Personalized Medicine
Classification: Uncertain significance. Last evaluated: 2012-09-24. Review status: criteria provided, single submitter. Criteria: LMM Criteria. Collection method: clinical testing. Allele origin: germline. Observed: 2 variant alleles.
Comment: The Ala726Thr variant in NEBL has not been reported in the literature nor previo usly identified by our laboratory. Alanine (Ala) at position 726 is not conserve d in mammals (dog has a glycine, Gly), suggesting a change at this position may be tolerated. Additional computational analyses (biochemical amino acid properti es, AlignGVGD, PolyPhen2, and SIFT) do not provide strong support for or against an impact to the protein. Additional information is needed to fully assess the clinical significance of this variant.